The following is an entry in ClinVar:

NM_000257.4(MYH7):c.5686T>C (p.Phe1896Leu)

Gene: MYH7 (myosin heavy chain 7; minus strand). Cytogenetic location: 14q11.2.
Variant type: single nucleotide variant.
Coding change: c.5686T>C on transcript NM_000257.4 (MANE Select); coding-DNA position 5686, T replaced by C.
Protein change: p.Phe1896Leu; replaces phenylalanine 1896 with leucine.
Molecular consequence: missense variant.
Genome position (GRCh38, 1-based): chr14:23,413,863, A>G on the plus strand (T>C on the coding strand, the complement: MYH7 is on the minus strand). VCF-style: chr14-23413863-A-G. GRCh37 (hg19) VCF-style: chr14-23883072-A-G.
Other names: c.5686T>C, p.Phe1896Leu (NM_001407004.1); short protein forms F1896L.
Identifiers: ClinVar variation 3070982 (VCV003070982.1), dbSNP rs2502233374, ClinGen allele CA389034689.
Genomic context (GRCh38, chr14:23,413,863, plus strand): 5'-GGGACTCGGCGATGTCCGCCCGCTCCTCTGCCTCATCCAGCTCGTGCTGCACCTTGCGGA[A>G]CTTGGACAGGTTGGTGTTGGCTTGCTCCTCCTGCGGGAGGTGGGAGCATGAGGTGAGAGG-3'
Protein context (NP_000248.2, residues 1886-1906): EEQANTNLSK[Phe1896Leu]RKVQHELDEA

ClinVar aggregate classification (germline): Uncertain significance (1 of 4 stars; one submission).

Conditions:
Cardiomyopathy (CMYO). Also called: Cardiomyopathies. Identifiers: Orphanet 167848, MedGen C0878544, MONDO:0004994, HP:0001638. Inheritance: Various modes of inheritance.

Allele frequency attached by ClinVar (database versions not stated): gnomAD exomes below 0.00001.
gnomAD v4.1: 1 of 1,614,234 alleles (0.000062%); highest among the groups gnomAD compares: Non-Finnish European, 0.000085%; no homozygotes.

Submission:

All of Us Research Program, National Institutes of Health
Classification: Uncertain significance for Cardiomyopathy. Last evaluated: 2023-05-16. Review status: criteria provided, single submitter. Criteria: ACMG Guidelines, 2015. Collection method: clinical testing. Allele origin: germline. Inheritance: Autosomal dominant inheritance. Observed: 1 variant allele, 1 heterozygote.
Comment: This missense variant replaces phenylalanine with leucine at codon 1896 of the MYH7 protein. Computational prediction suggests that this variant may not impact protein structure and function (internally defined REVEL score threshold <= 0.5, PMID: 27666373). To our knowledge, functional studies have not been reported for this variant. This variant has not been reported in individuals affected with MYH7-related disorders in the literature. This variant has not been identified in the general population by the Genome Aggregation Database (gnomAD). The available evidence is insufficient to determine the role of this variant in disease conclusively. Therefore, this variant is classified as a Variant of Uncertain Significance.

This study involves interpretation of variants in research participants for the purpose of population health screening. Participant phenotype was not available at the time of variant classification. Additional details can be found in publication PMID: 35346344, PMCID: PMC8962531